The following is an entry in ClinVar:

NM_018139.3(DNAAF2):c.1864-38A>G

Gene: DNAAF2 (dynein axonemal assembly factor 2; minus strand). Cytogenetic location: 14q21.3.
Variant type: single nucleotide variant.
Coding change: c.1864-38A>G on transcript NM_018139.3 (MANE Select); 38 bases into the intron before coding-DNA position 1864, A replaced by G.
Molecular consequence: intron variant.
Genome position (GRCh38, 1-based): chr14:49,628,193, T>C on the plus strand (A>G on the coding strand, the complement: DNAAF2 is on the minus strand). VCF-style: chr14-49628193-T-C. GRCh37 (hg19) VCF-style: chr14-50094911-T-C.
Other names: c.1864-2145A>G (NM_001083908.2); c.-204-2145A>G (NM_001378453.1).
Identifiers: ClinVar variation 1707327 (VCV001707327.2), dbSNP rs188455808, ClinGen allele CA7172800.

ClinVar aggregate classification (germline): Likely benign (1 of 4 stars; one submission).

Allele frequency attached by ClinVar (database versions not stated): ExAC 0.00262; 1000 Genomes Project 30x 0.00297; 1000 Genomes Project 0.00319; gnomAD 0.00598; TOPMed 0.00620.

Submission:

GeneDx
Classification: Likely benign. Last evaluated: 2020-11-08. Review status: criteria provided, single submitter. Criteria: GeneDx Variant Classification Process June 2021. Collection method: clinical testing. Allele origin: germline. Affected: yes.
Comment: See Variant Classification Assertion Criteria.